The following is an entry in ClinVar:

ClinVar aggregate classification (germline): Pathogenic (1 of 4 stars; one submission).

Submission:

Labcorp Genetics (formerly Invitae), Labcorp
Classification: Pathogenic. Last evaluated: 2022-10-04. Review status: criteria provided, single submitter. Criteria: Invitae Variant Classification Sherloc (09022015). Collection method: clinical testing. Allele origin: germline.
Comment: For these reasons, this variant has been classified as Pathogenic. ClinVar contains an entry for this variant (Variation ID: 1408100). This variant has not been reported in the literature in individuals affected with ADAMTS18-related conditions. The frequency data for this variant in the population databases is considered unreliable, as metrics indicate poor data quality at this position in the gnomAD database. This sequence change creates a premature translational stop signal (p.Arg1036Aspfs*37) in the ADAMTS18 gene. It is expected to result in an absent or disrupted protein product. Loss-of-function variants in ADAMTS18 are known to be pathogenic (PMID: 23818446, 24874986).

Literature cited by the submitters: PubMed 23818446; PubMed 24874986.

NM_199355.4(ADAMTS18):c.3105del (p.Arg1036fs)

Gene: ADAMTS18 (ADAM metallopeptidase with thrombospondin type 1 motif 18; minus strand). Cytogenetic location: 16q23.1.
Variant type: Deletion.
Coding change: c.3105del on transcript NM_199355.4 (MANE Select); coding-DNA position 3105, one base deleted (C; older notation c.3105delC).
Protein change: p.Arg1036fs; shifts the reading frame from arginine 1036.
Molecular consequence: frameshift variant.
Genome position (GRCh38, 1-based): chr16:77,293,160, G deleted on the plus strand (C on the coding strand, the reverse complement: ADAMTS18 is on the minus strand); the first of 4 consecutive G bases (chr16:77,293,160-77,293,163); deleting any one gives the same sequence. VCF-style (leftmost placement, unchanged base first): chr16-77293159-TG-T. GRCh37 (hg19) VCF-style: chr16-77327056-TG-T.
Other names: c.2589del, p.Arg864fs (NM_001326358.2); short protein forms R1036fs, R864fs.
Identifiers: ClinVar variation 1408100 (VCV001408100.6), dbSNP rs1451537398, ClinGen allele CA623584435.